The following is an entry in ClinVar:

NM_024675.4(PALB2):c.782A>G (p.His261Arg)

Gene: PALB2 (partner and localizer of BRCA2; minus strand). Cytogenetic location: 16p12.2.
Variant type: single nucleotide variant.
Coding change: c.782A>G on transcript NM_024675.4 (MANE Select); coding-DNA position 782, A replaced by G.
Protein change: p.His261Arg; replaces histidine 261 with arginine.
Molecular consequence: missense variant.
Genome position (GRCh38, 1-based): chr16:23,635,764, T>C on the plus strand (A>G on the coding strand, the complement: PALB2 is on the minus strand). VCF-style: chr16-23635764-T-C. GRCh37 (hg19) VCF-style: chr16-23647085-T-C.
Other names: c.722A>G, p.His241Arg (NM_001407296.1); c.782A>G, p.His261Arg (NM_001407297.1, NM_001407298.1, NM_001407299.1 and 3 more transcripts); c.-104A>G (NM_001407304.1, NM_001407305.1, NM_001407306.1 and 5 more transcripts); short protein forms H241R, H261R.
Identifiers: ClinVar variation 2001842 (VCV002001842.4), dbSNP rs2142434612, ClinGen allele CA395136062.

ClinVar aggregate classification (germline): Uncertain significance (1 of 4 stars; one submission).

Conditions:
Familial cancer of breast. Also called: hereditary breast carcinoma; Hereditary breast cancer; BREAST CANCER, FAMILIAL. Identifiers: Orphanet 227535, MedGen C0346153, MONDO:0016419, OMIM 114480. Disease mechanism: loss of function.

Submission:

Labcorp Genetics (formerly Invitae), Labcorp
Classification: Uncertain significance for Familial cancer of breast. Last evaluated: 2022-06-01. Review status: criteria provided, single submitter. Criteria: Invitae Variant Classification Sherloc (09022015). Collection method: clinical testing. Allele origin: germline.
Comment: In summary, the available evidence is currently insufficient to determine the role of this variant in disease. Therefore, it has been classified as a Variant of Uncertain Significance. Algorithms developed to predict the effect of missense changes on protein structure and function output the following: SIFT: "Tolerated"; PolyPhen-2: "Benign"; Align-GVGD: "Class C0". The arginine amino acid residue is found in multiple mammalian species, which suggests that this missense change does not adversely affect protein function. This variant has not been reported in the literature in individuals affected with PALB2-related conditions. This variant is not present in population databases (gnomAD no frequency). This sequence change replaces histidine, which is basic and polar, with arginine, which is basic and polar, at codon 261 of the PALB2 protein (p.His261Arg).